The following is an entry in ClinVar:

NM_001498.4(GCLC):c.-29AGG[4]

Genes: GCLC (glutamate-cysteine ligase catalytic subunit; minus strand), LOC129996649 (ATAC-STARR-seq lymphoblastoid silent region 17291; plus strand). Cytogenetic location: 6p12.1.
Variant type: Microsatellite.
Coding change: c.-29AGG[4] on transcript NM_001498.4 (MANE Select); four copies in a row of the 3-base unit AGG starting at c.-29; the reference has seven copies in a row; three copies, 9 bases deleted.
Molecular consequence: 5 prime UTR variant.
Genome position (GRCh38, 1-based): chr6:53,544,654-53,544,662, CCTCCTCCT deleted on the plus strand (AGGAGGAGG on the coding strand, the reverse complement: GCLC is on the minus strand); deleting any 9 consecutive bases within chr6:53,544,654-53,544,676 gives the same sequence; the position shown is the placement nearest the transcript's 3' end. VCF-style (leftmost placement, unchanged base first): chr6-53544653-CCCTCCTCCT-C. GRCh37 (hg19) VCF-style: chr6-53409451-CCCTCCTCCT-C.
Other names: c.-17_-9del (NM_001498.4); c.-29AGG[4] (NM_001197115.2).
Identifiers: ClinVar variation 1330402 (VCV001330402.22), dbSNP rs3830798, ClinGen allele CA3860469.

ClinVar aggregate classification (germline): Benign/Likely benign. Review status: criteria provided, multiple submitters, no conflicts (2 of 4 stars). 4 submissions from 4 submitters: Benign (2); Likely benign (2). Last evaluated 2026-02-01.

Submissions (4):

CeGaT Center for Human Genetics Tuebingen
Classification: Benign. Last evaluated: 2026-02-01. Review status: criteria provided, single submitter. Criteria: CeGaT Center For Human Genetics Tuebingen Variant Classification Criteria Version 2. Collection method: clinical testing. Allele origin: germline. Affected: yes. Observed: 1 variant allele.
Comment: GCLC: BS1, BS2

Mayo Clinic Laboratories, Mayo Clinic
Classification: Likely benign. Last evaluated: 2025-11-24. Review status: criteria provided, single submitter. Criteria: ACMG Guidelines, 2015. Collection method: clinical testing. Allele origin: germline. Observed: 17 variant alleles.

ARUP Laboratories, Molecular Genetics and Genomics, ARUP Laboratories
Classification: Benign. Last evaluated: 2025-01-27. Review status: criteria provided, single submitter. Criteria: ARUP Molecular Germline Variant Investigation Process 2024. Collection method: clinical testing. Allele origin: germline.

Blueprint Genetics
Classification: Likely benign. Last evaluated: 2024-11-13. Review status: criteria provided, single submitter. Criteria: ACMG Guidelines, 2015. Collection method: clinical testing. Allele origin: germline.